The following is an entry in ClinVar:

NM_000102.4(CYP17A1):c.5G>A (p.Trp2Ter)

Gene: CYP17A1 (cytochrome P450 family 17 subfamily A member 1; minus strand). Cytogenetic location: 10q24.32.
Variant type: single nucleotide variant.
Coding change: c.5G>A on transcript NM_000102.4 (MANE Select); coding-DNA position 5, G replaced by A.
Protein change: p.Trp2Ter; replaces tryptophan 2 with a stop codon.
Molecular consequence: nonsense.
Genome position (GRCh38, 1-based): chr10:102,837,357, C>T on the plus strand (G>A on the coding strand, the complement: CYP17A1 is on the minus strand). VCF-style: chr10-102837357-C-T. GRCh37 (hg19) VCF-style: chr10-104597114-C-T.
Other names: short protein forms W2*.
Identifiers: ClinVar variation 941672 (VCV000941672.7), dbSNP rs1844178791, ClinGen allele CA377941174.

ClinVar aggregate classification (germline): Pathogenic (1 of 4 stars; one submission).

Allele frequency attached by ClinVar (database versions not stated): gnomAD exomes below 0.00001.

Submission:

Labcorp Genetics (formerly Invitae), Labcorp
Classification: Pathogenic. Last evaluated: 2022-09-26. Review status: criteria provided, single submitter. Criteria: Invitae Variant Classification Sherloc (09022015). Collection method: clinical testing. Allele origin: germline.
Comment: This sequence change creates a premature translational stop signal (p.Trp2*) in the CYP17A1 gene. It is expected to result in an absent or disrupted protein product. Loss-of-function variants in CYP17A1 are known to be pathogenic (PMID: 17192295, 20197673, 24140098). This variant is not present in population databases (gnomAD no frequency). This variant has not been reported in the literature in individuals affected with CYP17A1-related conditions. ClinVar contains an entry for this variant (Variation ID: 941672). For these reasons, this variant has been classified as Pathogenic.

Literature cited by the submitters: PubMed 17192295; PubMed 20197673; PubMed 24140098.